The following is an entry in ClinVar:

NM_021098.3(CACNA1H):c.299+7T>A

Gene: CACNA1H (calcium voltage-gated channel subunit alpha1 H; plus strand). Cytogenetic location: 16p13.3.
Variant type: single nucleotide variant.
Coding change: c.299+7T>A on transcript NM_021098.3 (MANE Select); 7 bases into the intron after coding-DNA position 299, T replaced by A.
Molecular consequence: intron variant.
Genome position (GRCh38, 1-based): chr16:1,154,043, T>A. VCF-style: chr16-1154043-T-A. GRCh37 (hg19) VCF-style: chr16-1204043-T-A.
Other names: c.299+7T>A (NM_001005407.2).
Identifiers: ClinVar variation 2939974 (VCV002939974.3), dbSNP rs2548480648, ClinGen allele CA2630921541.

ClinVar aggregate classification (germline): Uncertain significance (1 of 4 stars; one submission).

Conditions:
Hyperaldosteronism, familial, type IV (HALD4). Also called: FH IV; ALDOSTERONISM, PRIMARY, AND HYPERTENSION. Identifiers: Orphanet 642671, MedGen C4310756, MONDO:0014875, OMIM 617027.
Idiopathic generalized epilepsy. Also called: EIG; Generalised epilepsy. Identifiers: MedGen C0270850, MONDO:0005579, OMIM 600669.

Submission:

Labcorp Genetics (formerly Invitae), Labcorp
Classification: Uncertain significance for Idiopathic generalized epilepsy; Hyperaldosteronism, familial, type IV. Last evaluated: 2023-05-01. Review status: criteria provided, single submitter. Criteria: Invitae Variant Classification Sherloc (09022015). Collection method: clinical testing. Allele origin: germline.
Comment: This sequence change falls in intron 2 of the CACNA1H gene. It does not directly change the encoded amino acid sequence of the CACNA1H protein. This variant is not present in population databases (gnomAD no frequency). This variant has not been reported in the literature in individuals affected with CACNA1H-related conditions. Algorithms developed to predict the effect of sequence changes on RNA splicing suggest that this variant may disrupt the consensus splice site. In summary, the available evidence is currently insufficient to determine the role of this variant in disease. Therefore, it has been classified as a Variant of Uncertain Significance.